The following is an entry in ClinVar:

NM_032802.4(SPPL2A):c.1031T>C (p.Leu344Pro)

Gene: SPPL2A (signal peptide peptidase like 2A; minus strand). Cytogenetic location: 15q21.2.
Variant type: single nucleotide variant.
Coding change: c.1031T>C on transcript NM_032802.4 (MANE Select); coding-DNA position 1031, T replaced by C.
Protein change: p.Leu344Pro; replaces leucine 344 with proline.
Molecular consequence: missense variant.
Genome position (GRCh38, 1-based): chr15:50,731,023, A>G on the plus strand (T>C on the coding strand, the complement: SPPL2A is on the minus strand). VCF-style: chr15-50731023-A-G. GRCh37 (hg19) VCF-style: chr15-51023220-A-G.
Other names: short protein forms L344P.
Identifiers: ClinVar variation 3003913 (VCV003003913.3), dbSNP rs551876182, ClinGen allele CA7558338.

ClinVar aggregate classification (germline): Uncertain significance (1 of 4 stars; one submission).

Allele frequency attached by ClinVar (database versions not stated): gnomAD exomes below 0.00001; gnomAD 0.00001; ExAC 0.00003; 1000 Genomes Project 30x 0.00016; 1000 Genomes Project 0.00020.
gnomAD v4.1: 6 of 1,490,132 alleles (0.0004%); highest among the groups gnomAD compares: East Asian, 0.011%; no homozygotes.

Submission:

Labcorp Genetics (formerly Invitae), Labcorp
Classification: Uncertain significance. Last evaluated: 2022-12-10. Review status: criteria provided, single submitter. Criteria: Invitae Variant Classification Sherloc (09022015). Collection method: clinical testing. Allele origin: germline.
Comment: In summary, the available evidence is currently insufficient to determine the role of this variant in disease. Therefore, it has been classified as a Variant of Uncertain Significance. Algorithms developed to predict the effect of missense changes on protein structure and function (SIFT, PolyPhen-2, Align-GVGD) all suggest that this variant is likely to be disruptive. This variant has not been reported in the literature in individuals affected with SPPL2A-related conditions. This variant is present in population databases (rs551876182, gnomAD 0.02%). This sequence change replaces leucine, which is neutral and non-polar, with proline, which is neutral and non-polar, at codon 344 of the SPPL2A protein (p.Leu344Pro).